The following is an entry in ClinVar:

ClinVar aggregate classification (germline): Uncertain significance (1 of 4 stars; one submission).

Submission:

Labcorp Genetics (formerly Invitae), Labcorp
Classification: Uncertain significance. Last evaluated: 2021-09-03. Review status: criteria provided, single submitter. Criteria: Invitae Variant Classification Sherloc (09022015). Collection method: clinical testing. Allele origin: germline.
Comment: This variant has not been reported in the literature in individuals affected with GPR143-related conditions. Algorithms developed to predict the effect of missense changes on protein structure and function (SIFT, PolyPhen-2, Align-GVGD) all suggest that this variant is likely to be disruptive. In summary, the available evidence is currently insufficient to determine the role of this variant in disease. Therefore, it has been classified as a Variant of Uncertain Significance. This variant is not present in population databases (ExAC no frequency). This sequence change replaces alanine with proline at codon 288 of the GPR143 protein (p.Ala288Pro). The alanine residue is highly conserved and there is a small physicochemical difference between alanine and proline.

NM_000273.3(GPR143):c.862G>C (p.Ala288Pro)

Gene: GPR143 (G protein-coupled receptor 143; minus strand). Cytogenetic location: Xp22.2.
Variant type: single nucleotide variant.
Coding change: c.862G>C on transcript NM_000273.3 (MANE Select); coding-DNA position 862, G replaced by C.
Protein change: p.Ala288Pro; replaces alanine 288 with proline.
Molecular consequence: missense variant.
Genome position (GRCh38, 1-based): chrX:9,741,361, C>G on the plus strand (G>C on the coding strand, the complement: GPR143 is on the minus strand). VCF-style: chrX-9741361-C-G. GRCh37 (hg19) VCF-style: chrX-9709401-C-G.
Other names: short protein forms A288P.
Identifiers: ClinVar variation 1414734 (VCV001414734.6), dbSNP rs2146685724, ClinGen allele CA411995820.
Genomic context (GRCh38, chrX:9,741,361, plus strand): 5'-TAATTAACTAATTAAAATAAAATATAGATTGACCTACCATAATAAACCATGTGGTCTTGG[C>G]TGCAGTTCTGACAGGTTTCAAAGAACCTCCATTGATATCTGTTTGCATCTCAAGATAGAA-3'
Protein context (NP_000264.2, residues 278-298): GGSLKPVRTA[Ala288Pro]KTTWFIMGIL